The following is an entry in ClinVar:

ClinVar aggregate classification (germline): Pathogenic (1 of 4 stars; one submission).

Conditions:
Alstrom syndrome (ALMS). Identifiers: Orphanet 64, MedGen C0268425, MONDO:0008763, OMIM 203800.

Submission:

Labcorp Genetics (formerly Invitae), Labcorp
Classification: Pathogenic for Alstrom syndrome. Last evaluated: 2020-09-09. Review status: criteria provided, single submitter. Criteria: Invitae Variant Classification Sherloc (09022015). Collection method: clinical testing. Allele origin: germline.
Comment: This sequence change creates a premature translational stop signal (p.Gly484*) in the ALMS1 gene. It is expected to result in an absent or disrupted protein product. This variant is not present in population databases (ExAC no frequency). This variant has not been reported in the literature in individuals with ALMS1-related conditions. Loss-of-function variants in ALMS1 are known to be pathogenic (PMID: 17594715). For these reasons, this variant has been classified as Pathogenic.

Literature cited by the submitters: PubMed 17594715.

NM_001378454.1(ALMS1):c.1447G>T (p.Gly483Ter)

Gene: ALMS1 (ALMS1 centrosome and basal body associated protein; plus strand). Cytogenetic location: 2p13.1.
Variant type: single nucleotide variant.
Coding change: c.1447G>T on transcript NM_001378454.1 (MANE Select); coding-DNA position 1447, G replaced by T.
Protein change: p.Gly483Ter; replaces glycine 483 with a stop codon.
Molecular consequence: nonsense.
Genome position (GRCh38, 1-based): chr2:73,447,974, G>T. VCF-style: chr2-73447974-G-T. GRCh37 (hg19) VCF-style: chr2-73675104-G-T.
Other names: c.1450G>T, p.Gly484Ter (NM_015120.4); short protein forms G483*, G484*.
Identifiers: ClinVar variation 1070819 (VCV001070819.7), dbSNP rs2103771067, ClinGen allele CA347264419.
Genomic context (GRCh38, chr2:73,447,974, plus strand): 5'-AAAATAGAAAATTTTATATACTATTAACAAATCTCTTTTTCTTTAGGAGACACTTCTAAA[G>T]GAGGCATAGCTAAAGTTACTCAATCCAACTTGAAGTCAGGCATCACTACCACTCCTGTTG-3'